The following is an entry in ClinVar:

ClinVar aggregate classification (germline): Benign. Review status: criteria provided, multiple submitters, no conflicts (2 of 4 stars). 4 submissions from 4 submitters: Benign (4). Last evaluated 2026-02-04.

Conditions:
Muscular dystrophy-dystroglycanopathy (congenital with brain and eye anomalies), type A2. Also called: WALKER-WARBURG SYNDROME OR MUSCLE-EYE-BRAIN DISEASE, POMT2-RELATED; MUSCULAR DYSTROPHY-DYSTROGLYCANOPATHY (CONGENITAL WITH BRAIN AND EYE ANOMALIES), TYPE A, 2. Identifiers: Orphanet 588, Orphanet 899, MedGen C3150411, MONDO:0013154, OMIM 613150.
Muscular dystrophy-dystroglycanopathy (congenital with impaired intellectual development), type B, 2. Also called: MUSCULAR DYSTROPHY, CONGENITAL, POMT2-RELATED; Muscular dystrophy-dystroglycanopathy (congenital with intellectual disability), type B2. Identifiers: MedGen C3150416, MONDO:0013160, OMIM 613156.
Autosomal recessive limb-girdle muscular dystrophy type 2N. Also called: MUSCULAR DYSTROPHY-DYSTROGLYCANOPATHY, LIMB-GIRDLE, POMT2-RELATED; Muscular dystrophy-dystroglycanopathy (limb-girdle), type C, 2. Identifiers: Orphanet 206559, MedGen C3150418, MONDO:0013162, OMIM 613158.

Allele frequency attached by ClinVar (database versions not stated): 1000 Genomes Project 0.15296; 1000 Genomes Project 30x 0.15631; gnomAD 0.17887 and 0.17926; ESP Exome Variant Server 0.18053; ExAC 0.18236; TOPMed 0.18370.

Submissions (4):

Labcorp Genetics (formerly Invitae), Labcorp
Classification: Benign for Muscular dystrophy-dystroglycanopathy (congenital with impaired intellectual development), type B, 2; Muscular dystrophy-dystroglycanopathy (congenital with brain and eye anomalies), type A2; Autosomal recessive limb-girdle muscular dystrophy type 2N. Last evaluated: 2026-02-04. Review status: criteria provided, single submitter. Criteria: Invitae Variant Classification Sherloc (09022015). Collection method: clinical testing. Allele origin: germline.

Athena Diagnostics
Classification: Benign. Last evaluated: 2017-04-14. Review status: criteria provided, single submitter. Criteria: Athena Diagnostics Criteria. Collection method: clinical testing. Allele origin: germline.

GeneDx
Classification: Benign. Last evaluated: 2013-10-30. Review status: criteria provided, single submitter. Criteria: GeneDx Variant Classification (06012015). Collection method: clinical testing. Allele origin: germline. Affected: yes.
Comment: This variant is considered likely benign or benign based on one or more of the following criteria: it is a conservative change, it occurs at a poorly conserved position in the protein, it is predicted to be benign by multiple in silico algorithms, and/or has population frequency not consistent with disease.

Genetic Services Laboratory, University of Chicago
Classification: Benign for AllHighlyPenetrant. Last evaluated: 2013-09-25. Review status: criteria provided, single submitter. Criteria: ACMG Guidelines, 2007. Collection method: clinical testing. Allele origin: germline. Inheritance: Autosomal recessive inheritance.

NM_013382.7(POMT2):c.1911= (p.Leu637=)

Gene: POMT2 (protein O-mannosyltransferase 2; minus strand). Cytogenetic location: 14q24.3.
Variant type: single nucleotide variant.
Coding change: c.1911= on transcript NM_013382.7 (MANE Select); coding-DNA position 1911, no change from the reference sequence.
Protein change: p.Leu637=; no amino-acid change (leucine 637 retained).
Molecular consequence: no sequence alteration.
Genome position: GRCh38 VCF-style: chr14-77278850-A-A. GRCh37 (hg19) VCF-style: chr14-77745193-A-A.
Other names: p.L637L:CTG>CTT.
Identifiers: ClinVar variation 130014 (VCV000130014.16), dbSNP rs3209079.